The following is an entry in ClinVar:

NM_000141.5(FGFR2):c.1690G>C (p.Val564Leu)

Gene: FGFR2 (fibroblast growth factor receptor 2; minus strand). Cytogenetic location: 10q26.13.
Variant type: single nucleotide variant.
Coding change: c.1690G>C on transcript NM_000141.5 (MANE Select); coding-DNA position 1690, G replaced by C.
Protein change: p.Val564Leu; replaces valine 564 with leucine.
Molecular consequence: missense variant. On other transcripts: non-coding transcript variant (1).
Genome position (GRCh38, 1-based): chr10:121,496,705, C>G on the plus strand (G>C on the coding strand, the complement: FGFR2 is on the minus strand). VCF-style: chr10-121496705-C-G. GRCh37 (hg19) VCF-style: chr10-123256219-C-G.
Other names: c.1684G>C, p.Val562Leu (NM_001320658.2); c.1693G>C, p.Val565Leu (NM_022970.4, NM_001144913.1); c.1423G>C, p.Val475Leu (NM_023029.3, NM_001144915.2); c.1354G>C, p.Val452Leu (NM_001144914.1); c.1345G>C, p.Val449Leu (NM_001144916.2); c.1342G>C, p.Val448Leu (NM_001144917.2); c.1339G>C, p.Val447Leu (NM_001144918.2); c.1426G>C, p.Val476Leu (NM_001144919.2); and 1 more; short protein forms V447L, V562L, V564L, V448L, V476L, V336L, V475L, V449L.
Identifiers: ClinVar variation 2772519 (VCV002772519.3), dbSNP rs1057519797, ClinGen allele CA378320649.

ClinVar aggregate classification (germline): Uncertain significance (1 of 4 stars; one submission).

Conditions:
FGFR2-related craniosynostosis. Identifiers: MedGen CN231480.

Submission:

Labcorp Genetics (formerly Invitae), Labcorp
Classification: Uncertain significance for FGFR2-related craniosynostosis. Last evaluated: 2024-04-16. Review status: criteria provided, single submitter. Criteria: Invitae Variant Classification Sherloc (09022015). Collection method: clinical testing. Allele origin: germline.
Comment: This sequence change replaces valine, which is neutral and non-polar, with leucine, which is neutral and non-polar, at codon 564 of the FGFR2 protein (p.Val564Leu). This variant is not present in population databases (gnomAD no frequency). This variant has not been reported in the literature in individuals affected with FGFR2-related conditions. Advanced modeling of protein sequence and biophysical properties (such as structural, functional, and spatial information, amino acid conservation, physicochemical variation, residue mobility, and thermodynamic stability) performed at Invitae indicates that this missense variant is expected to disrupt FGFR2 protein function with a positive predictive value of 95%. In summary, the available evidence is currently insufficient to determine the role of this variant in disease. Therefore, it has been classified as a Variant of Uncertain Significance.